The following is an entry in ClinVar:

NM_001165963.4(SCN1A):c.5905A>G (p.Ile1969Val)

Genes: SCN1A (sodium voltage-gated channel alpha subunit 1; minus strand), LOC102724058 (uncharacterized LOC102724058; plus strand). Cytogenetic location: 2q24.3.
Variant type: single nucleotide variant.
Coding change: c.5905A>G on transcript NM_001165963.4 (MANE Select); coding-DNA position 5905, A replaced by G.
Protein change: p.Ile1969Val; replaces isoleucine 1969 with valine.
Molecular consequence: missense variant. On other transcripts: non-coding transcript variant (1).
Genome position (GRCh38, 1-based): chr2:165,991,370, T>C on the plus strand (A>G on the coding strand, the complement: SCN1A is on the minus strand). VCF-style: chr2-165991370-T-C. GRCh37 (hg19) VCF-style: chr2-166847880-T-C.
Other names: c.5821A>G, p.Ile1941Val (NM_001353958.2, NM_001165964.3, NM_001353957.2); c.5818A>G, p.Ile1940Val (NM_001353960.2); c.3463A>G, p.Ile1155Val (NM_001353961.2); c.5872A>G, p.Ile1958Val (NM_006920.6, NM_001353949.2, NM_001353950.2 and 2 more transcripts); c.5905A>G, p.Ile1969Val (NM_001202435.3, NM_001353948.2); c.5869A>G, p.Ile1957Val (NM_001353954.2, NM_001353955.2); short protein forms I1155V, I1940V, I1941V, I1957V, I1958V, I1969V.
Identifiers: ClinVar variation 5017704 (VCV005017704.1).

ClinVar aggregate classification (germline): Uncertain significance (1 of 4 stars; one submission).

gnomAD v4.1: 1 of 1,613,422 alleles (0.000062%); highest among the groups gnomAD compares: South Asian, 0.0011%; no homozygotes.

Submission:

GeneDx
Classification: Uncertain significance. Last evaluated: 2026-03-30. Review status: criteria provided, single submitter. Criteria: GeneDx Variant Classification Process June 2021. Collection method: clinical testing. Allele origin: germline.
Comment: Not observed at significant frequency in large population cohorts (gnomAD); In silico analysis suggests that this missense variant does not alter protein structure/function; Has not been previously published as pathogenic or benign to our knowledge; This substitution is predicted to be within the C-terminal cytoplasmic domain